The following is an entry in ClinVar:

NM_001267550.2(TTN):c.7104_7105del (p.Cys2368_Glu2369delinsTer)

Genes: TTN (titin; minus strand), LOC126806433 (BRD4-independent group 4 enhancer GRCh37_chr2:179638309-179639508; plus strand). Cytogenetic location: 2q31.2.
Variant type: Microsatellite.
Coding change: c.7104_7105del on transcript NM_001267550.2 (MANE Select); coding-DNA positions 7104 to 7105, 2 bases deleted (TG; older notation c.7104_7105delTG).
Protein change: p.Cys2368_Glu2369delinsTer.
Molecular consequence: nonsense.
Genome position (GRCh38, 1-based): chr2:178,774,063-178,774,064, CA deleted on the plus strand (TG on the coding strand, the reverse complement: TTN is on the minus strand); deleting any 2 consecutive bases within chr2:178,774,063-178,774,066 gives the same sequence; the c. name uses the placement nearest the transcript's 3' end. VCF-style (leftmost placement, unchanged base first): chr2-178774062-TCA-T. GRCh37 (hg19) VCF-style: chr2-179638789-TCA-T.
Other names: c.7104_7105del, p.Cys2368_Glu2369delinsTer (NM_001256850.1, NM_133378.4, NM_133379.5); c.6966_6967del, p.Cys2322_Glu2323delinsTer (NM_003319.4, NM_133432.3, NM_133437.4).
Identifiers: ClinVar variation 1506623 (VCV001506623.8), dbSNP rs2154344972, ClinGen allele CA2580616639.
Genomic context (GRCh38, chr2:178,774,062, plus strand): 5'-ATCCAGACGCCTTCCACACTTTCCAAGGAGACTTTAACTTCAAGCTGAACAATGTCACCC[TCA>T]CAGACTTTTTGGTCACTAAGTCCTTGTAGGATAGCAATGGGGCGGGCTGTGAAATATGGG-3'

ClinVar aggregate classification (germline): Likely pathogenic (1 of 4 stars; one submission).

Conditions:
Dilated cardiomyopathy 1G (CMD1G). Identifiers: Orphanet 154, MedGen C1858763, MONDO:0011400, OMIM 604145.
Autosomal recessive limb-girdle muscular dystrophy type 2J (LGMDR10). Also called: MUSCULAR DYSTROPHY, LIMB-GIRDLE, AUTOSOMAL RECESSIVE 10; Limb-girdle muscular dystrophy, type 2J. Identifiers: Orphanet 140922, MedGen C1837342, MONDO:0012127, OMIM 608807.

Submission:

Labcorp Genetics (formerly Invitae), Labcorp
Classification: Likely pathogenic for Dilated cardiomyopathy 1G; Autosomal recessive limb-girdle muscular dystrophy type 2J. Last evaluated: 2024-10-18. Review status: criteria provided, single submitter. Criteria: Invitae Variant Classification Sherloc (09022015). Collection method: clinical testing. Allele origin: germline.
Comment: This sequence change creates a premature translational stop signal (p.Cys2368*) in the TTN gene. While this is not anticipated to result in nonsense mediated decay, it is expected to create a truncated TTN protein. This variant is not present in population databases (gnomAD no frequency). This variant has not been reported in the literature in individuals affected with TTN-related conditions. ClinVar contains an entry for this variant (Variation ID: 1506623). This variant is located in the I band of TTN (PMID: 25589632). Truncating variants in this region have been reported in individuals affected with autosomal recessive centronuclear myopathy (PMID: 23975875, internal data). Truncating variants in this region have also been identified in individuals affected with autosomal dominant dilated cardiomyopathy and/or cardio-related conditions (PMID: 27869827, 32964742, internal data). In summary, the currently available evidence indicates that the variant is pathogenic, but additional data are needed to prove that conclusively. Therefore, this variant has been classified as Likely Pathogenic.

Literature cited by the submitters: PubMed 25589632; PubMed 23975875; PubMed 27869827; PubMed 32964742.